The following is an entry in ClinVar:

ClinVar aggregate classification (germline): Pathogenic. Review status: criteria provided, multiple submitters, no conflicts (2 of 4 stars). 5 submissions from 5 submitters: Pathogenic (4). 1 of the submissions does not count toward it. Last evaluated 2024-11-08.

Conditions:
Hereditary cancer-predisposing syndrome. Also called: Hereditary Cancer Syndrome; Tumor predisposition; Hereditary neoplastic syndrome; Neoplastic Syndromes, Hereditary. Identifiers: Orphanet 140162, MedGen C0027672, MeSH D009386, MONDO:0015356.
Familial adenomatous polyposis 1 (FAP1). Also called: FAMILIAL ADENOMATOUS POLYPOSIS 1, ATTENUATED; POLYPOSIS, ADENOMATOUS INTESTINAL. Identifiers: MedGen C2713442, MONDO:0021056, OMIM 175100. Disease mechanism: loss of function.

Submissions (5):

Ambry Genetics
Classification: Pathogenic for Hereditary cancer-predisposing syndrome. Last evaluated: 2024-11-08. Review status: criteria provided, single submitter. Criteria: Ambry Variant Classification Scheme 2023. Collection method: clinical testing. Allele origin: germline.
Comment: The p.Y500* pathogenic mutation (also known as c.1500T>G), located in coding exon 11 of the APC gene, results from a T to G substitution at nucleotide position 1500. This changes the amino acid from a tyrosine to a stop codon within coding exon 11. This pathogenic variant has been reported in an individual with a diagnosis of FAP (Groden J et al. Cell. 1991 Aug;66:589-600). This variant is considered to be rare based on population cohorts in the Genome Aggregation Database (gnomAD). In addition to the clinical data presented in the literature, this alteration is expected to result in loss of function by premature protein truncation or nonsense-mediated mRNA decay. As such, this alteration is interpreted as a disease-causing mutation.

Labcorp Genetics (formerly Invitae), Labcorp
Classification: Pathogenic for Familial adenomatous polyposis 1. Last evaluated: 2023-09-30. Review status: criteria provided, single submitter. Criteria: Invitae Variant Classification Sherloc (09022015). Collection method: clinical testing. Allele origin: germline.
Comment: For these reasons, this variant has been classified as Pathogenic. ClinVar contains an entry for this variant (Variation ID: 796). This premature translational stop signal has been observed in individual(s) with familial adenomatous polyposis (PMID: 1651174). This variant is not present in population databases (gnomAD no frequency). This sequence change creates a premature translational stop signal (p.Tyr500*) in the APC gene. It is expected to result in an absent or disrupted protein product. Loss-of-function variants in APC are known to be pathogenic (PMID: 17963004, 20685668).

Myriad Genetics, Inc.
Classification: Pathogenic for Familial adenomatous polyposis 1. Last evaluated: 2023-05-01. Review status: criteria provided, single submitter. Criteria: Myriad Autosomal Dominant, Autosomal Recessive and X-Linked Classification Criteria (2023). Collection method: clinical testing. Allele origin: unknown.
Comment: This variant is considered pathogenic. This variant creates a termination codon and is predicted to result in premature protein truncation.

Quest Diagnostics Nichols Institute San Juan Capistrano
Classification: Pathogenic. Last evaluated: 2019-12-20. Review status: criteria provided, single submitter. Criteria: Quest Diagnostics criteria. Collection method: clinical testing. Allele origin: unknown.
Comment: The variant creates a premature nonsense codon, and is therefore predicted to result in the loss of a functional protein. Found in at least one patient with expected phenotype for this gene, and not found in general population data.

OMIM
Classification: Pathogenic for FAMILIAL ADENOMATOUS POLYPOSIS 1. Last evaluated: 1991-08-09. Review status: no assertion criteria provided. Collection method: literature only. Allele origin: germline. Not counted in ClinVar's aggregate classification.

Literature cited by the submitters: PubMed 1651174 (cited by 3 submitters); PubMed 17963004 (cited by Labcorp Genetics (formerly Invitae), Labcorp); PubMed 20685668 (cited by Labcorp Genetics (formerly Invitae), Labcorp); PubMed 19725996 (cited by Quest Diagnostics Nichols Institute San Juan Capistrano); PubMed 19029688 (cited by Quest Diagnostics Nichols Institute San Juan Capistrano).

NM_000038.6(APC):c.1500T>G (p.Tyr500Ter)

Gene: APC (APC regulator of Wnt signaling pathway; plus strand). Cytogenetic location: 5q22.2.
Variant type: single nucleotide variant.
Coding change: c.1500T>G on transcript NM_000038.6 (MANE Select); coding-DNA position 1500, T replaced by G.
Protein change: p.Tyr500Ter; replaces tyrosine 500 with a stop codon.
Molecular consequence: nonsense.
Genome position (GRCh38, 1-based): chr5:112,827,199, T>G. VCF-style: chr5-112827199-T-G. GRCh37 (hg19) VCF-style: chr5-112162896-T-G.
Other names: c.1500T>G, p.Tyr500Ter (NM_001127510.3, NM_001354895.2); c.1446T>G, p.Tyr482Ter (NM_001127511.3); c.1554T>G, p.Tyr518Ter (NM_001354896.2); c.1530T>G, p.Tyr510Ter (NM_001354897.2); c.1425T>G, p.Tyr475Ter (NM_001354898.2); c.1416T>G, p.Tyr472Ter (NM_001354899.2); c.1377T>G, p.Tyr459Ter (NM_001354900.2); c.1323T>G, p.Tyr441Ter (NM_001354901.2); and 5 more; short protein forms Y482*, Y500*, Y459*, Y374*, Y399*, Y217*, Y340*, Y472*.
Identifiers: ClinVar variation 796 (VCV000000796.15), dbSNP rs387906230, ClinGen allele CA005243.